The following is an entry in ClinVar:

NM_015884.4(MBTPS2):c.1243C>G (p.Leu415Val)

Gene: MBTPS2 (membrane bound transcription factor peptidase, site 2; plus strand). Cytogenetic location: Xp22.12.
Variant type: single nucleotide variant.
Coding change: c.1243C>G on transcript NM_015884.4 (MANE Select); coding-DNA position 1243, C replaced by G.
Protein change: p.Leu415Val; replaces leucine 415 with valine.
Molecular consequence: missense variant.
Genome position (GRCh38, 1-based): chrX:21,878,674, C>G. VCF-style: chrX-21878674-C-G. GRCh37 (hg19) VCF-style: chrX-21896792-C-G.
Other names: short protein forms L415V.
Identifiers: ClinVar variation 2433664 (VCV002433664.7), dbSNP rs2519588727, ClinGen allele CA412569827.
Genomic context (GRCh38, chrX:21,878,674, plus strand): 5'-ACTCGCTTAATAAAAGTAAAACACCCACCTCAGATTGATATGTTATACGTAGGACATCCT[C>G]TGCATCTTCACTACACAGGTGAGTATTTTTGTGGTAGACCCTTAGAAAATCATTAAGATC-3'
Protein context (NP_056968.1, residues 405-425): QIDMLYVGHP[Leu415Val]HLHYTVSITS

ClinVar aggregate classification (germline): Uncertain significance. Review status: criteria provided, multiple submitters, no conflicts (2 of 4 stars). 3 submissions from 3 submitters: Uncertain significance (3). Last evaluated 2025-01-27.

Submissions (3):

Women's Health and Genetics/Laboratory Corporation of America, LabCorp
Classification: Uncertain significance. Last evaluated: 2025-01-27. Review status: criteria provided, single submitter. Criteria: LabCorp Variant Classification Summary - May 2015. Collection method: clinical testing. Allele origin: germline.
Comment: Variant summary: MBTPS2 c.1243C>G (p.Leu415Val) results in a conservative amino acid change located in the Peptidase family M50 domain (IPR008915) of the encoded protein sequence. Five of five in-silico tools predict a benign effect of the variant on protein function. The variant was absent in 183181 control chromosomes. The available data on variant occurrences in the general population are insufficient to allow any conclusion about variant significance. To our knowledge, no occurrence of c.1243C>G in individuals affected with MBTPS2-Related Disorders and no experimental evidence demonstrating its impact on protein function have been reported. ClinVar contains an entry for this variant (Variation ID: 2433664). Based on the evidence outlined above, the variant was classified as uncertain significance.

Labcorp Genetics (formerly Invitae), Labcorp
Classification: Uncertain significance. Last evaluated: 2024-06-13. Review status: criteria provided, single submitter. Criteria: Invitae Variant Classification Sherloc (09022015). Collection method: clinical testing. Allele origin: germline.
Comment: This sequence change replaces leucine, which is neutral and non-polar, with valine, which is neutral and non-polar, at codon 415 of the MBTPS2 protein (p.Leu415Val). This variant is not present in population databases (gnomAD no frequency). This variant has not been reported in the literature in individuals affected with MBTPS2-related conditions. ClinVar contains an entry for this variant (Variation ID: 2433664). Advanced modeling of protein sequence and biophysical properties (such as structural, functional, and spatial information, amino acid conservation, physicochemical variation, residue mobility, and thermodynamic stability) performed at Invitae indicates that this missense variant is not expected to disrupt MBTPS2 protein function with a negative predictive value of 80%. In summary, the available evidence is currently insufficient to determine the role of this variant in disease. Therefore, it has been classified as a Variant of Uncertain Significance.

Revvity Omics, Revvity
Classification: Uncertain significance. Last evaluated: 2023-02-22. Review status: criteria provided, single submitter. Criteria: ACMG Guidelines, 2015. Collection method: clinical testing. Allele origin: germline.